The following is an entry in ClinVar:

NM_001286577.2(C2CD3):c.1197_1199dup (p.Ile400_Gln401insIle)

Gene: C2CD3 (C2 domain containing 3 centriole elongation regulator; minus strand). Cytogenetic location: 11q13.4.
Variant type: Duplication.
Coding change: c.1197_1199dup on transcript NM_001286577.2 (MANE Select); coding-DNA positions 1197 to 1199, 3 bases duplicated (TAT; older notation c.1197_1199dupTAT).
Protein change: p.Ile400_Gln401insIle.
Molecular consequence: inframe insertion.
Genome position (GRCh38, 1-based): chr11:74,132,862-74,132,864, ATA duplicated on the plus strand (TAT on the coding strand, the reverse complement: C2CD3 is on the minus strand). VCF-style (leftmost placement, unchanged base first): chr11-74132861-T-TATA. GRCh37 (hg19) VCF-style: chr11-73843906-T-TATA.
Other names: c.1197_1199dup, p.Ile400_Gln401insIle (NM_015531.6).
Identifiers: ClinVar variation 1898596 (VCV001898596.2), dbSNP rs1263269285, ClinGen allele CA600122763.
Genomic context (GRCh38, chr11:74,132,861, plus strand): 5'-GAGGAAGAGTTTAAAAGGAAGAAAGCCAGTTAATAGTGCTTACCTGCCTAATAGCAGCTG[T>TATA]ATAGCTCTGGTATCAGCTTTTGTGTCATGTCTCCAAAATGTATTCTCAGTTGAAGGGAGG-3'

ClinVar aggregate classification (germline): Uncertain significance (1 of 4 stars; one submission).

Allele frequency attached by ClinVar (database versions not stated): gnomAD 0.00001; TOPMed 0.00001; gnomAD exomes 0.00002.

Submission:

Labcorp Genetics (formerly Invitae), Labcorp
Classification: Uncertain significance. Last evaluated: 2022-08-21. Review status: criteria provided, single submitter. Criteria: Invitae Variant Classification Sherloc (09022015). Collection method: clinical testing. Allele origin: germline.
Comment: This variant, c.1197_1199dup, results in the insertion of 1 amino acid(s) of the C2CD3 protein (p.Ile400dup), but otherwise preserves the integrity of the reading frame. This variant is present in population databases (no rsID available, gnomAD 0.01%). This variant has not been reported in the literature in individuals affected with C2CD3-related conditions. Experimental studies and prediction algorithms are not available or were not evaluated, and the functional significance of this variant is currently unknown. In summary, the available evidence is currently insufficient to determine the role of this variant in disease. Therefore, it has been classified as a Variant of Uncertain Significance.